The following is an entry in ClinVar:

NM_000088.4(COL1A1):c.2167G>T (p.Ala723Ser)

Gene: COL1A1 (collagen type I alpha 1 chain; minus strand). Cytogenetic location: 17q21.33.
Variant type: single nucleotide variant.
Coding change: c.2167G>T on transcript NM_000088.4 (MANE Select); coding-DNA position 2167, G replaced by T.
Protein change: p.Ala723Ser; replaces alanine 723 with serine.
Molecular consequence: missense variant.
Genome position (GRCh38, 1-based): chr17:50,191,451, C>A on the plus strand (G>T on the coding strand, the complement: COL1A1 is on the minus strand). VCF-style: chr17-50191451-C-A. GRCh37 (hg19) VCF-style: chr17-48268812-C-A.
Other names: short protein forms A723S.
Identifiers: ClinVar variation 2115015 (VCV002115015.4), dbSNP rs150803124, ClinGen allele CA400211229.

ClinVar aggregate classification (germline): Uncertain significance (1 of 4 stars; one submission).

Conditions:
Osteogenesis imperfecta type I (OI1). Also called: Lobstein disease; OI, TYPE I; OSTEOGENESIS IMPERFECTA TARDA; OSTEOGENESIS IMPERFECTA WITH BLUE SCLERAE; Osteogenesis imperfecta type 1; Classic Non-deforming Osteogenesis Imperfecta with Blue Sclerae. Identifiers: Orphanet 216796, Orphanet 666, MedGen C0023931, MONDO:0008146, OMIM 166200. Disease mechanism: loss of function.

Submission:

Labcorp Genetics (formerly Invitae), Labcorp
Classification: Uncertain significance for Osteogenesis imperfecta type I. Last evaluated: 2022-03-20. Review status: criteria provided, single submitter. Criteria: Invitae Variant Classification Sherloc (09022015). Collection method: clinical testing. Allele origin: germline.
Comment: In summary, the available evidence is currently insufficient to determine the role of this variant in disease. Therefore, it has been classified as a Variant of Uncertain Significance. Advanced modeling of protein sequence and biophysical properties (such as structural, functional, and spatial information, amino acid conservation, physicochemical variation, residue mobility, and thermodynamic stability) performed at Invitae indicates that this missense variant is not expected to disrupt COL1A1 protein function. This variant has not been reported in the literature in individuals affected with COL1A1-related conditions. This variant is not present in population databases (gnomAD no frequency). This sequence change replaces alanine, which is neutral and non-polar, with serine, which is neutral and polar, at codon 723 of the COL1A1 protein (p.Ala723Ser).